The following is an entry in ClinVar:

NM_000292.3(PHKA2):c.2157G>A (p.Pro719=)

Gene: PHKA2 (phosphorylase kinase regulatory subunit alpha 2; minus strand). Cytogenetic location: Xp22.13.
Variant type: single nucleotide variant.
Coding change: c.2157G>A on transcript NM_000292.3 (MANE Select); coding-DNA position 2157, G replaced by A.
Protein change: p.Pro719=; no amino-acid change (proline 719 retained).
Molecular consequence: synonymous variant.
Genome position (GRCh38, 1-based): chrX:18,910,941, C>T on the plus strand (G>A on the coding strand, the complement: PHKA2 is on the minus strand). VCF-style: chrX-18910941-C-T. GRCh37 (hg19) VCF-style: chrX-18929059-C-T.
Other names: p.Pro719=; c.2157G>A, p.Pro719= (NM_001440800.1, NM_001440801.1, NM_001440805.1); c.2058G>A, p.Pro686= (NM_001440802.1, NM_001440803.1, NM_001440804.1).
Identifiers: ClinVar variation 4684507 (VCV004684507.3).
Genomic context (GRCh38, chrX:18,910,941, plus strand): 5'-GAGTGGCTGAGGAGAATCAACAAGATTCAGTGATTTACGGTGGGCACTTAGAACTTTAGT[C>T]GGCAAAGTCATGGGAACAACTGGAAAACAAAAGAATAAAGAGAGTTATTCTGAGGAGGAA-3'
Protein context (NP_000283.1, residues 709-729): LEVPFVPMTL[Pro719=]TKVLSAHRKS

ClinVar aggregate classification (germline): Likely benign. Review status: criteria provided, multiple submitters, no conflicts (2 of 4 stars). 3 submissions from 3 submitters: Likely benign (3). Last evaluated 2026-01-20.

Conditions:
Glycogen storage disease IXa1. Also called: LIVER GLYCOGENOSIS, X-LINKED, TYPE I; GLYCOGEN STORAGE DISEASE VIII; GSD VIII; Glycogen storage disease 8. Identifiers: Orphanet 264580, MedGen C3694531, MONDO:0010598, OMIM 306000.

gnomAD v4.1: 67 of 1,179,359 alleles (0.0057%); highest among the groups gnomAD compares: Non-Finnish European, 0.0071%; no homozygotes.

Submissions (3):

Labcorp Genetics (formerly Invitae), Labcorp
Classification: Likely benign for Glycogen storage disease IXa1. Last evaluated: 2026-01-20. Review status: criteria provided, single submitter. Criteria: Invitae Variant Classification Sherloc (09022015). Collection method: clinical testing. Allele origin: germline.

Mayo Clinic Laboratories, Mayo Clinic
Classification: Likely benign. Last evaluated: 2024-10-28. Review status: criteria provided, single submitter. Criteria: ACMG Guidelines, 2015. Collection method: clinical testing. Allele origin: germline. Observed: 1 variant allele.
Comment: BP4, BP7

Blueprint Genetics
Classification: Likely benign. Last evaluated: 2024-06-06. Review status: criteria provided, single submitter. Criteria: ACMG Guidelines, 2015. Collection method: clinical testing. Allele origin: germline.